The following is an entry in ClinVar:

NM_004104.5(FASN):c.5645C>T (p.Pro1882Leu)

Gene: FASN (fatty acid synthase; minus strand). Cytogenetic location: 17q25.3.
Variant type: single nucleotide variant.
Coding change: c.5645C>T on transcript NM_004104.5 (MANE Select); coding-DNA position 5645, C replaced by T.
Protein change: p.Pro1882Leu; replaces proline 1882 with leucine.
Molecular consequence: missense variant.
Genome position (GRCh38, 1-based): chr17:82,083,036, G>A on the plus strand (C>T on the coding strand, the complement: FASN is on the minus strand). VCF-style: chr17-82083036-G-A. GRCh37 (hg19) VCF-style: chr17-80040912-G-A.
Other names: c.5645C>T (NM_004104.4); short protein forms P1882L.
Identifiers: ClinVar variation 1053005 (VCV001053005.10), dbSNP rs781081288, ClinGen allele CA8851608.
Genomic context (GRCh38, chr17:82,083,036, plus strand): 5'-TGCGCCAACTCCAGGCCGAAGCCACCCAGACCACCAGCGATGATGTAGCTCTTGTGGGCC[G>A]GGCAGAAGGTCTTGGAGATGGCCGACATCAGCTTGGGTTTGGCCCCCTTCAGCACTGCCT-3'
Protein context (NP_004095.4, residues 1872-1892): LMSAISKTFC[Pro1882Leu]AHKSYIIAGG

ClinVar aggregate classification (germline): Uncertain significance. Review status: criteria provided, multiple submitters, no conflicts (2 of 4 stars). 2 submissions from 2 submitters: Uncertain significance (2). Last evaluated 2024-09-29.

Conditions:
Epileptic encephalopathy. Identifiers: MedGen C0543888, HP:0200134.

Allele frequency attached by ClinVar (database versions not stated): gnomAD 0.00001 and 0.00002; TOPMed 0.00002; ExAC 0.00003.
gnomAD v4.1: 34 of 1,612,678 alleles (0.0021%); highest among the groups gnomAD compares: Admixed American, 0.015%; no homozygotes.

Submissions (2):

Labcorp Genetics (formerly Invitae), Labcorp
Classification: Uncertain significance for Epileptic encephalopathy. Last evaluated: 2024-09-29. Review status: criteria provided, single submitter. Criteria: Invitae Variant Classification Sherloc (09022015). Collection method: clinical testing. Allele origin: germline.
Comment: This sequence change replaces proline, which is neutral and non-polar, with leucine, which is neutral and non-polar, at codon 1882 of the FASN protein (p.Pro1882Leu). This variant is present in population databases (rs781081288, gnomAD 0.006%). This variant has not been reported in the literature in individuals affected with FASN-related conditions. ClinVar contains an entry for this variant (Variation ID: 1053005). An algorithm developed to predict the effect of missense changes on protein structure and function outputs the following: PolyPhen-2: "Benign". The leucine amino acid residue is found in multiple mammalian species, which suggests that this missense change does not adversely affect protein function. In summary, the available evidence is currently insufficient to determine the role of this variant in disease. Therefore, it has been classified as a Variant of Uncertain Significance.

Ambry Genetics
Classification: Uncertain significance. Last evaluated: 2024-08-15. Review status: criteria provided, single submitter. Criteria: Ambry Variant Classification Scheme 2023. Collection method: clinical testing. Allele origin: germline.